The following is an entry in ClinVar:

ClinVar aggregate classification (germline): Uncertain significance (1 of 4 stars; one submission).

Conditions:
Telangiectasia, hereditary hemorrhagic, type 1 (HHT1). Also called: Osler Weber Rendu syndrome type 1; ENG-Related Hereditary Hemorrhagic Telangiectasia. Identifiers: Orphanet 774, MedGen C4551861, MONDO:0008535, OMIM 187300. Disease mechanism: loss of function.

gnomAD v4.1: 4 of 1,611,080 alleles (0.00025%); highest among the groups gnomAD compares: African/African-American, 0.0014%; no homozygotes.

Submission:

ARUP Laboratories, Molecular Genetics and Genomics, ARUP Laboratories
Classification: Uncertain significance for Telangiectasia, hereditary hemorrhagic, type 1. Last evaluated: 2025-05-15. Review status: criteria provided, single submitter. Criteria: ARUP Molecular Germline Variant Investigation Process 2024. Collection method: clinical testing. Allele origin: germline.
Comment: The ENG c.766C>A; p.Pro256Thr variant (rs143779963), to our knowledge, is not reported in the medical literature or gene specific databases. This variant is only observed on one allele in the Genome Aggregation Database (v2.1.1), indicating it is not a common polymorphism. Computational analyses are uncertain whether this variant is neutral or deleterious (REVEL: 0.158). Due to limited information, the clinical significance of this variant is uncertain at this time.

NM_001114753.3(ENG):c.766C>A (p.Pro256Thr)

Gene: ENG (endoglin; minus strand). Cytogenetic location: 9q34.11.
Variant type: single nucleotide variant.
Coding change: c.766C>A on transcript NM_001114753.3 (MANE Select); coding-DNA position 766, C replaced by A.
Protein change: p.Pro256Thr; replaces proline 256 with threonine.
Molecular consequence: missense variant.
Genome position (GRCh38, 1-based): chr9:127,825,281, G>T on the plus strand (C>A on the coding strand, the complement: ENG is on the minus strand). VCF-style: chr9-127825281-G-T. GRCh37 (hg19) VCF-style: chr9-130587560-G-T.
Other names: c.766C>A, p.Pro256Thr (NM_000118.4, NM_001406715.1); c.220C>A, p.Pro74Thr (NM_001278138.2); short protein forms P256T, P74T.
Identifiers: ClinVar variation 4685820 (VCV004685820.1).
Genomic context (GRCh38, chr9:127,825,281, plus strand): 5'-CACAACTCACCCAGATCTGCATGTTGTGGTTGGCGTCGATGAGCCAGGACACGTAGGGGG[G>T]ACCCTGCAGGATGAGGACGGCATCGAGATCCCCGGGTGCGCAGCTCAGTTCCACCTTCAC-3'
Protein context (NP_001108225.1, residues 246-266): DLDAVLILQG[Pro256Thr]PYVSWLIDAN